The following is an entry in ClinVar:

ClinVar aggregate classification (germline): Uncertain significance. Review status: criteria provided, multiple submitters, no conflicts (2 of 4 stars). 2 submissions from 2 submitters: Uncertain significance (2). Last evaluated 2022-07-19.

Submissions (2):

Labcorp Genetics (formerly Invitae), Labcorp
Classification: Uncertain significance. Last evaluated: 2022-07-19. Review status: criteria provided, single submitter. Criteria: Invitae Variant Classification Sherloc (09022015). Collection method: clinical testing. Allele origin: germline.
Comment: This sequence change replaces threonine, which is neutral and polar, with alanine, which is neutral and non-polar, at codon 1894 of the USH2A protein (p.Thr1894Ala). This variant is not present in population databases (gnomAD no frequency). This variant has not been reported in the literature in individuals affected with USH2A-related conditions. ClinVar contains an entry for this variant (Variation ID: 1462939). Algorithms developed to predict the effect of missense changes on protein structure and function output the following: SIFT: "Deleterious"; PolyPhen-2: "Benign"; Align-GVGD: "Class C0". The alanine amino acid residue is found in multiple mammalian species, which suggests that this missense change does not adversely affect protein function. Algorithms developed to predict the effect of sequence changes on RNA splicing suggest that this variant may create or strengthen a splice site. In summary, the available evidence is currently insufficient to determine the role of this variant in disease. Therefore, it has been classified as a Variant of Uncertain Significance.

Blueprint Genetics
Classification: Uncertain significance. Last evaluated: 2019-05-24. Review status: criteria provided, single submitter. Criteria: ACMG Guidelines, 2015. Collection method: clinical testing. Allele origin: germline.

NM_206933.4(USH2A):c.5680A>G (p.Thr1894Ala)

Genes: USH2A (usherin; minus strand), USH2A-AS2 (USH2A antisense RNA 2; plus strand). Cytogenetic location: 1q41.
Variant type: single nucleotide variant.
Coding change: c.5680A>G on transcript NM_206933.4 (MANE Select); coding-DNA position 5680, A replaced by G.
Protein change: p.Thr1894Ala; replaces threonine 1894 with alanine.
Molecular consequence: missense variant.
Genome position (GRCh38, 1-based): chr1:216,073,193, T>C on the plus strand (A>G on the coding strand, the complement: USH2A is on the minus strand). VCF-style: chr1-216073193-T-C. GRCh37 (hg19) VCF-style: chr1-216246535-T-C.
Other names: short protein forms T1894A.
Identifiers: ClinVar variation 1462939 (VCV001462939.6), dbSNP rs2102549045, ClinGen allele CA344854428.